The following is an entry in ClinVar:

NM_000038.6(APC):c.852G>T (p.Met284Ile)

Gene: APC (APC regulator of Wnt signaling pathway; plus strand). Cytogenetic location: 5q22.2.
Variant type: single nucleotide variant.
Coding change: c.852G>T on transcript NM_000038.6 (MANE Select); coding-DNA position 852, G replaced by T.
Protein change: p.Met284Ile; replaces methionine 284 with isoleucine.
Molecular consequence: missense variant. On other transcripts: initiator codon variant (1).
Genome position (GRCh38, 1-based): chr5:112,815,512, G>T. VCF-style: chr5-112815512-G-T. GRCh37 (hg19) VCF-style: chr5-112151209-G-T.
Other names: c.852G>T, p.Met284Ile (NM_001127510.3, NM_001354895.2, NM_001354896.2 and 1 more transcripts); c.777G>T, p.Met259Ile (NM_001354904.2, NM_001354898.2); c.675G>T, p.Met225Ile (NM_001354905.2, NM_001354900.2, NM_001354901.2); c.3G>T, p.Met1Ile (NM_001354906.2); c.798G>T, p.Met266Ile (NM_001127511.3); c.882G>T, p.Met294Ile (NM_001354897.2, NM_001354902.2); c.768G>T, p.Met256Ile (NM_001354899.2); short protein forms M1I, M225I, M256I, M259I, M266I, M284I, M294I.
Identifiers: ClinVar variation 1171061 (VCV001171061.4), dbSNP rs772181347, ClinGen allele CA050961.

ClinVar aggregate classification (germline): Uncertain significance. Review status: criteria provided, multiple submitters, no conflicts (2 of 4 stars). 2 submissions from 2 submitters: Uncertain significance (2). Last evaluated 2026-06-10.

Conditions:
Hereditary cancer-predisposing syndrome. Also called: Neoplastic Syndromes, Hereditary; Tumor predisposition; Hereditary Cancer Syndrome; Hereditary neoplastic syndrome. Identifiers: Orphanet 140162, MedGen C0027672, MeSH D009386, MONDO:0015356.

Allele frequency attached by ClinVar (database versions not stated): gnomAD exomes below 0.00001; ExAC 0.00001.
gnomAD v4.1: 1 of 1,611,664 alleles (0.000062%); highest among the groups gnomAD compares: South Asian, 0.0011%; no homozygotes.

Submissions (2):

Ambry Genetics
Classification: Uncertain significance for Hereditary cancer-predisposing syndrome. Last evaluated: 2026-06-10. Review status: criteria provided, single submitter. Criteria: Ambry Variant Classification Scheme 2023. Collection method: clinical testing. Allele origin: germline.
Comment: The p.M284I variant (also known as c.852G>T), located in coding exon 8 of the APC gene, results from a G to T substitution at nucleotide position 852. The methionine at codon 284 is replaced by isoleucine, an amino acid with highly similar properties. This amino acid position is conserved. In addition, in silico predictors for this gene do not accurately predict pathogenicity. Based on the available evidence, the clinical significance of this variant remains unclear.

Color Diagnostics, LLC DBA Color Health
Classification: Uncertain significance for Hereditary cancer-predisposing syndrome. Last evaluated: 2020-12-14. Review status: criteria provided, single submitter. Criteria: ACMG Guidelines, 2015. Collection method: clinical testing. Allele origin: germline.
Comment: This missense variant replaces methionine with isoleucine at codon 284 of the APC protein. Computational prediction suggests that this variant may not impact protein structure and function (internally defined REVEL score threshold <= 0.5, PMID: 27666373). To our knowledge, functional studies have not been reported for this variant. This variant has not been reported in individuals affected with hereditary cancer in the literature. This variant has been identified in 1/251100 chromosomes in the general population by the Genome Aggregation Database (gnomAD). The available evidence is insufficient to determine the role of this variant in disease conclusively. Therefore, this variant is classified as a Variant of Uncertain Significance.